The following is an entry in ClinVar:

ClinVar aggregate classification (germline): Uncertain significance (1 of 4 stars; one submission).

Allele frequency attached by ClinVar (database versions not stated): gnomAD exomes below 0.00001.
gnomAD v4.1: 1 of 1,189,210 alleles (0.000084%); highest among the groups gnomAD compares: Non-Finnish European, 0.00011%; no homozygotes.

Submission:

CeGaT Center for Human Genetics Tuebingen
Classification: Uncertain significance. Last evaluated: 2023-10-01. Review status: criteria provided, single submitter. Criteria: CeGaT Center For Human Genetics Tuebingen Variant Classification Criteria Version 2. Collection method: clinical testing. Allele origin: germline. Affected: yes. Observed: 1 variant allele.
Comment: PHKA1: PM2

NM_002637.4(PHKA1):c.1175G>A (p.Arg392Gln)

Gene: PHKA1 (phosphorylase kinase regulatory subunit alpha 1; minus strand). Cytogenetic location: Xq13.1.
Variant type: single nucleotide variant.
Coding change: c.1175G>A on transcript NM_002637.4 (MANE Select); coding-DNA position 1175, G replaced by A.
Protein change: p.Arg392Gln; replaces arginine 392 with glutamine.
Molecular consequence: missense variant.
Genome position (GRCh38, 1-based): chrX:72,652,614, C>T on the plus strand (G>A on the coding strand, the complement: PHKA1 is on the minus strand). VCF-style: chrX-72652614-C-T. GRCh37 (hg19) VCF-style: chrX-71872464-C-T.
Other names: c.1175G>A, p.Arg392Gln (NM_001122670.2, NM_001172436.2); short protein forms R392Q.
Identifiers: ClinVar variation 2660916 (VCV002660916.24), dbSNP rs2522609565, ClinGen allele CA413593160.